The following is an entry in ClinVar:

NM_001374736.1(DST):c.20446C>T (p.Gln6816Ter)

Gene: DST (dystonin; minus strand). Cytogenetic location: 6p12.1.
Variant type: single nucleotide variant.
Coding change: c.20446C>T on transcript NM_001374736.1 (MANE Select); coding-DNA position 20446, C replaced by T.
Protein change: p.Gln6816Ter; replaces glutamine 6816 with a stop codon.
Molecular consequence: nonsense.
Genome position (GRCh38, 1-based): chr6:56,493,038, G>A on the plus strand (C>T on the coding strand, the complement: DST is on the minus strand). VCF-style: chr6-56493038-G-A. GRCh37 (hg19) VCF-style: chr6-56357836-G-A.
Other names: c.14089C>T, p.Gln4697Ter (NM_001144769.5); c.13675C>T, p.Gln4559Ter (NM_001144770.2); c.20446C>T, p.Gln6816Ter (NM_001374722.1); c.19486C>T, p.Gln6496Ter (NM_001374729.1); c.13228C>T, p.Gln4410Ter (NM_001374730.1); c.20473C>T, p.Gln6825Ter (NM_001374734.1); c.12577C>T, p.Gln4193Ter (NM_015548.5); c.13555C>T, p.Gln4519Ter (NM_183380.4); short protein forms Q4410*, Q4519*, Q4559*, Q4697*, Q6816*, Q6496*, Q4193*, Q6825*.
Identifiers: ClinVar variation 969144 (VCV000969144.8), dbSNP rs2095802050, ClinGen allele CA364516152.
Genomic context (GRCh38, chr6:56,493,038, plus strand): 5'-TTGGCCGAGAAGCTACATTTAGGGTCTGTTCAGCCTGAGTAAGCCAGTTGATGAAGTCTT[G>A]GAGAGAATTGTGGAACTCCATTGCCAAGTTGAGAGCCTCTTCCAGTTTAGTCTGCAAGGA-3'

ClinVar aggregate classification (germline): Pathogenic (1 of 4 stars; one submission).

Conditions:
Epidermolysis bullosa simplex 3, localized or generalized intermediate, with BP230 deficiency (EBS3). Also called: Epidermolysis bullosa simplex, autosomal recessive 2; Epidermolysis bullosa simplex due to BP230 deficiency. Identifiers: Orphanet 412181, MedGen C3809470, MONDO:0014180, OMIM 615425.
Hereditary sensory and autonomic neuropathy type 6. Also called: Neuropathy, hereditary sensory and autonomic, type VI; HSAN VI. Identifiers: Orphanet 314381, MedGen C3539003, MONDO:0013839, OMIM 614653.

Submission:

Labcorp Genetics (formerly Invitae), Labcorp
Classification: Pathogenic for Epidermolysis bullosa simplex 3, localized or generalized intermediate, with BP230 deficiency; Hereditary sensory and autonomic neuropathy type 6. Last evaluated: 2019-11-26. Review status: criteria provided, single submitter. Criteria: Invitae Variant Classification Sherloc (09022015). Collection method: clinical testing. Allele origin: germline.
Comment: This variant has not been reported in the literature in individuals with DST-related conditions. While this particular variant has not been reported in the literature, loss-of-function variants in DST are known to be pathogenic (PMID: 22522446, 25059916). For these reasons, this variant has been classified as Pathogenic. This variant is not present in population databases (ExAC no frequency). This sequence change creates a premature translational stop signal (p.Gln4193*) in the DST gene. It is expected to result in an absent or disrupted protein product. The DST gene has multiple clinically relevant transcripts. This variant occurs in alternate transcript NM_015548.4, and corresponds to NM_001723.5:c.*122479C>T in the primary transcript.

Literature cited by the submitters: PubMed 22522446; PubMed 25059916.